The following is an entry in ClinVar:

NM_001244008.2(KIF1A):c.4571A>G (p.His1524Arg)

Gene: KIF1A (kinesin family member 1A; minus strand). Cytogenetic location: 2q37.3.
Variant type: single nucleotide variant.
Coding change: c.4571A>G on transcript NM_001244008.2 (MANE Select); coding-DNA position 4571, A replaced by G.
Protein change: p.His1524Arg; replaces histidine 1524 with arginine.
Molecular consequence: missense variant.
Genome position (GRCh38, 1-based): chr2:240,722,550, T>C on the plus strand (A>G on the coding strand, the complement: KIF1A is on the minus strand). VCF-style: chr2-240722550-T-C. GRCh37 (hg19) VCF-style: chr2-241661967-T-C.
Other names: c.4268A>G, p.His1423Arg (NM_001379641.1, NM_001379650.1, NM_001379651.1 and 2 more transcripts); c.4571A>G, p.His1524Arg (NM_001379642.1); c.4544A>G, p.His1515Arg (NM_001379645.1, NM_001379633.1); c.4394A>G, p.His1465Arg (NM_001379646.1, NM_001379635.1); c.4370A>G, p.His1457Arg (NM_001379648.1, NM_001330290.2); c.4295A>G, p.His1432Arg (NM_001379649.1, NM_001320705.2); c.4322A>G, p.His1441Arg (NM_001330289.2); c.4646A>G, p.His1549Arg (NM_001379631.1); and 7 more; short protein forms H1422R, H1423R, H1431R, H1432R, H1440R, H1441R, H1448R, H1457R.
Identifiers: ClinVar variation 1703302 (VCV001703302.3), dbSNP rs2536700565, ClinGen allele CA351304065.

ClinVar aggregate classification (germline): Uncertain significance (1 of 4 stars; one submission).

Submission:

GeneDx
Classification: Uncertain significance. Last evaluated: 2025-10-01. Review status: criteria provided, single submitter. Criteria: GeneDx Variant Classification Process June 2021. Collection method: clinical testing. Allele origin: germline.
Comment: Not observed at significant frequency in large population cohorts (gnomAD); In silico analysis suggests that this missense variant does not alter protein structure/function; Has not been previously published as pathogenic or benign to our knowledge